The following is an entry in ClinVar:

NM_002834.5(PTPN11):c.1262G>A (p.Arg421Gln)

Gene: PTPN11 (protein tyrosine phosphatase non-receptor type 11; plus strand). Cytogenetic location: 12q24.13.
Variant type: single nucleotide variant.
Coding change: c.1262G>A on transcript NM_002834.5 (MANE Select); coding-DNA position 1262, G replaced by A.
Protein change: p.Arg421Gln; replaces arginine 421 with glutamine.
Molecular consequence: missense variant.
Genome position (GRCh38, 1-based): chr12:112,486,512, G>A. VCF-style: chr12-112486512-G-A. GRCh37 (hg19) VCF-style: chr12-112924316-G-A.
Other names: c.1274G>A, p.Arg425Gln (NM_001330437.2); c.1259G>A, p.Arg420Gln (NM_001374625.1); c.1262G>A, p.Arg421Gln (NM_080601.3); short protein forms R421Q, R425Q, R420Q.
Identifiers: ClinVar variation 496181 (VCV000496181.2), dbSNP rs1420362815, ClinGen allele CA386777113.

ClinVar aggregate classification (germline): Uncertain significance. Review status: criteria provided, multiple submitters, no conflicts (2 of 4 stars). 2 submissions from 2 submitters: Uncertain significance (2). Last evaluated 2024-01-01.

Conditions:
Cardiovascular phenotype. Identifiers: MedGen CN230736.

Allele frequency attached by ClinVar (database versions not stated): gnomAD exomes below 0.00001; gnomAD 0.00001; TOPMed 0.00001.
gnomAD v4.1: 2 of 1,614,010 alleles (0.00012%); highest among the groups gnomAD compares: Non-Finnish European, 0.00017%; no homozygotes.

Submissions (2):

Ambry Genetics
Classification: Uncertain significance for Cardiovascular phenotype. Last evaluated: 2024-01-01. Review status: criteria provided, single submitter. Criteria: Ambry Variant Classification Scheme 2023. Collection method: clinical testing. Allele origin: germline.
Comment: The p.R421Q variant (also known as c.1262G>A), located in coding exon 11 of the PTPN11 gene, results from a G to A substitution at nucleotide position 1262. The arginine at codon 421 is replaced by glutamine, an amino acid with highly similar properties. This amino acid position is conserved. In addition, this alteration is predicted to be deleterious by in silico analysis. Since supporting evidence is limited at this time, the clinical significance of this alteration remains unclear.

Women's Health and Genetics/Laboratory Corporation of America, LabCorp
Classification: Uncertain significance. Last evaluated: 2017-01-30. Review status: criteria provided, single submitter. Criteria: LabCorp Variant Classification Summary - May 2015. Collection method: clinical testing. Allele origin: germline.
Comment: Variant summary: The PTPN11 c.1262G>A (p.Arg421Gln) variant located in the PTP type protein phosphatse domain (via InterPro) involves the alteration of a conserved nucleotide, which 3/4 in silico tools predict a benign outcome, although these predictions have yet to be functionally assessed. The variant of interest was not observed in controls (ExAC, 1000 Gs, or ESP). A publication cites the variant in an individual affected with primary myelofibrosis, who harbored multiple other variants. Reputable databases/clinical diagnostic laboratories have not at this time identified this variant in tested patients. Therefore, based on available evidences, especially variants co-occurrence with a likely pathogenic variant in the same gene and in silico prediction results, this variant has been classified as a "Variant of Uncertain Significance - Possibly Benign."